The following is an entry in ClinVar:

NM_004463.3(FGD1):c.2132C>G (p.Thr711Ser)

Gene: FGD1 (FYVE, RhoGEF and PH domain containing 1; minus strand). Cytogenetic location: Xp11.22.
Variant type: single nucleotide variant.
Coding change: c.2132C>G on transcript NM_004463.3 (MANE Select); coding-DNA position 2132, C replaced by G.
Protein change: p.Thr711Ser; replaces threonine 711 with serine.
Molecular consequence: missense variant.
Genome position (GRCh38, 1-based): chrX:54,449,675, G>C on the plus strand (C>G on the coding strand, the complement: FGD1 is on the minus strand). VCF-style: chrX-54449675-G-C. GRCh37 (hg19) VCF-style: chrX-54476108-G-C.
Other names: short protein forms T711S.
Identifiers: ClinVar variation 4535024 (VCV004535024.7).

ClinVar aggregate classification (germline): Uncertain significance. Review status: criteria provided, multiple submitters, no conflicts (2 of 4 stars). 2 submissions from 2 submitters: Uncertain significance (2). Last evaluated 2025-10-01.

Submissions (2):

CeGaT Center for Human Genetics Tuebingen
Classification: Uncertain significance. Last evaluated: 2025-10-01. Review status: criteria provided, single submitter. Criteria: CeGaT Center For Human Genetics Tuebingen Variant Classification Criteria Version 2. Collection method: clinical testing. Allele origin: germline. Affected: yes. Observed: 1 variant allele.
Comment: FGD1: PM2, PP2, BP4

Labcorp Genetics (formerly Invitae), Labcorp
Classification: Uncertain significance. Last evaluated: 2025-10-01. Review status: criteria provided, single submitter. Criteria: Invitae Variant Classification Sherloc (09022015). Collection method: clinical testing. Allele origin: germline.
Comment: This sequence change replaces threonine, which is neutral and polar, with serine, which is neutral and polar, at codon 711 of the FGD1 protein (p.Thr711Ser). This variant is not present in population databases (gnomAD no frequency). This variant has not been reported in the literature in individuals affected with FGD1-related conditions. Invitae Evidence Modeling of protein sequence and biophysical properties (such as structural, functional, and spatial information, amino acid conservation, physicochemical variation, residue mobility, and thermodynamic stability) indicates that this missense variant is not expected to disrupt FGD1 protein function with a negative predictive value of 95%. In summary, the available evidence is currently insufficient to determine the role of this variant in disease. Therefore, it has been classified as a Variant of Uncertain Significance.